The following is an entry in ClinVar:

ClinVar aggregate classification (germline): Uncertain significance (1 of 4 stars; one submission).

Conditions:
Paget disease of bone 2, early-onset (PDB2). Also called: Paget disease of bone 2. Identifiers: MedGen C4085251, MONDO:0011183, OMIM 602080.
Frontotemporal dementia and/or amyotrophic lateral sclerosis 1 (FTDALS1). Also called: C9orf72 Frontotemporal Dementia and/or Amyotrophic Lateral Sclerosis; Frontotemporal dementia with motor neuron disease 1. Identifiers: Orphanet 275872, MedGen C5779877, MONDO:0007105, OMIM 105550.

Submission:

Labcorp Genetics (formerly Invitae), Labcorp
Classification: Uncertain significance for Paget disease of bone 2, early-onset; Frontotemporal dementia and/or amyotrophic lateral sclerosis 1. Last evaluated: 2024-01-11. Review status: criteria provided, single submitter. Criteria: Invitae Variant Classification Sherloc (09022015). Collection method: clinical testing. Allele origin: germline.
Comment: This sequence change replaces serine, which is neutral and polar, with threonine, which is neutral and polar, at codon 332 of the SQSTM1 protein (p.Ser332Thr). This variant is not present in population databases (gnomAD no frequency). This variant has not been reported in the literature in individuals affected with SQSTM1-related conditions. Advanced modeling of protein sequence and biophysical properties (such as structural, functional, and spatial information, amino acid conservation, physicochemical variation, residue mobility, and thermodynamic stability) performed at Invitae indicates that this missense variant is not expected to disrupt SQSTM1 protein function with a negative predictive value of 80%. In summary, the available evidence is currently insufficient to determine the role of this variant in disease. Therefore, it has been classified as a Variant of Uncertain Significance.

NM_003900.5(SQSTM1):c.994T>A (p.Ser332Thr)

Gene: SQSTM1 (sequestosome 1; plus strand). Cytogenetic location: 5q35.3.
Variant type: single nucleotide variant.
Coding change: c.994T>A on transcript NM_003900.5 (MANE Select); coding-DNA position 994, T replaced by A.
Protein change: p.Ser332Thr; replaces serine 332 with threonine.
Molecular consequence: missense variant.
Genome position (GRCh38, 1-based): chr5:179,833,611, T>A. VCF-style: chr5-179833611-T-A. GRCh37 (hg19) VCF-style: chr5-179260611-T-A.
Other names: c.742T>A, p.Ser248Thr (NM_001142298.2, NM_001142299.2); short protein forms S248T, S332T.
Identifiers: ClinVar variation 2932436 (VCV002932436.3), dbSNP rs2480247422, ClinGen allele CA362452402.